The following is an entry in ClinVar:

NM_020297.4(ABCC9):c.3273G>C (p.Leu1091=)

Gene: ABCC9 (ATP binding cassette subfamily C member 9; minus strand). Cytogenetic location: 12p12.1.
Variant type: single nucleotide variant.
Coding change: c.3273G>C on transcript NM_020297.4 (MANE Select); coding-DNA position 3273, G replaced by C.
Protein change: p.Leu1091=; no amino-acid change (leucine 1091 retained).
Molecular consequence: synonymous variant.
Genome position (GRCh38, 1-based): chr12:21,844,525, C>G on the plus strand (G>C on the coding strand, the complement: ABCC9 is on the minus strand). VCF-style: chr12-21844525-C-G. GRCh37 (hg19) VCF-style: chr12-21997459-C-G.
Other names: c.3273G>C, p.Leu1091= (NM_001377273.1, NM_005691.4); c.2406G>C, p.Leu802= (NM_001377274.1).
Identifiers: ClinVar variation 704187 (VCV000704187.21), dbSNP rs144325590, ClinGen allele CA6481147.

ClinVar aggregate classification (germline): Conflicting classifications of pathogenicity. Review status: criteria provided, conflicting classifications (1 of 4 stars). 4 submissions from 4 submitters: Uncertain significance (1); Likely benign (3). Last evaluated 2025-12-01.

Conditions:
Cardiomyopathy (CMYO). Also called: Cardiomyopathies. Identifiers: Orphanet 167848, MedGen C0878544, MONDO:0004994, HP:0001638. Inheritance: Various modes of inheritance.
Dilated cardiomyopathy 1O (CMD1O). Also called: CARDIOMYOPATHY, DILATED, WITH VENTRICULAR TACHYCARDIA. Identifiers: Orphanet 154, MedGen C1837839, MONDO:0012062, OMIM 608569.
Cardiovascular phenotype. Identifiers: MedGen CN230736.

Allele frequency attached by ClinVar (database versions not stated): gnomAD 0.00001 and 0.00002; gnomAD exomes 0.00001 and 0.00006; ExAC 0.00002; TOPMed 0.00003; ESP Exome Variant Server 0.00008.
gnomAD v4.1: 91 of 1,613,664 alleles (0.0056%); highest among the groups gnomAD compares: Non-Finnish European, 0.0069%; no homozygotes.

Submissions (4):

CeGaT Center for Human Genetics Tuebingen
Classification: Likely benign. Last evaluated: 2025-12-01. Review status: criteria provided, single submitter. Criteria: CeGaT Center For Human Genetics Tuebingen Variant Classification Criteria Version 2. Collection method: clinical testing. Allele origin: germline. Affected: yes. Observed: 1 variant allele.
Comment: ABCC9: BP4, BP7

Labcorp Genetics (formerly Invitae), Labcorp
Classification: Likely benign for Dilated cardiomyopathy 1O. Last evaluated: 2025-09-10. Review status: criteria provided, single submitter. Criteria: Invitae Variant Classification Sherloc (09022015). Collection method: clinical testing. Allele origin: germline.

Ambry Genetics
Classification: Likely benign for Cardiovascular phenotype. Last evaluated: 2022-07-25. Review status: criteria provided, single submitter. Criteria: Ambry Variant Classification Scheme 2023. Collection method: clinical testing. Allele origin: germline.

CHEO Genetics Diagnostic Laboratory, Children's Hospital of Eastern Ontario
Classification: Uncertain significance for Cardiomyopathy. Last evaluated: 2019-07-05. Review status: criteria provided, single submitter. Criteria: ACMG Guidelines, 2015. Collection method: clinical testing. Allele origin: germline.